The following is an entry in ClinVar:

ClinVar aggregate classification (germline): Uncertain significance. Review status: criteria provided, multiple submitters, no conflicts (2 of 4 stars). 2 submissions from 2 submitters: Uncertain significance (2). Last evaluated 2026-02-13.

Conditions:
Tuberous sclerosis 1 (TSC1). Identifiers: Orphanet 805, MedGen C1854465, MONDO:0008612, OMIM 191100.
Hereditary cancer-predisposing syndrome. Also called: Hereditary Cancer Syndrome; Neoplastic Syndromes, Hereditary; Tumor predisposition; Hereditary neoplastic syndrome. Identifiers: Orphanet 140162, MedGen C0027672, MeSH D009386, MONDO:0015356.

Submissions (2):

Ambry Genetics
Classification: Uncertain significance for Hereditary cancer-predisposing syndrome. Last evaluated: 2026-02-13. Review status: criteria provided, single submitter. Criteria: Ambry Variant Classification Scheme 2023. Collection method: clinical testing. Allele origin: germline.
Comment: The p.S108C variant (also known as c.323C>G), located in coding exon 3 of the TSC1 gene, results from a C to G substitution at nucleotide position 323. The serine at codon 108 is replaced by cysteine, an amino acid with dissimilar properties. This amino acid position is not well conserved in available vertebrate species. In addition, the in silico prediction for this alteration is inconclusive. Based on the available evidence, the clinical significance of this variant remains unclear.

Labcorp Genetics (formerly Invitae), Labcorp
Classification: Uncertain significance for Tuberous sclerosis 1. Last evaluated: 2024-09-08. Review status: criteria provided, single submitter. Criteria: Invitae Variant Classification Sherloc (09022015). Collection method: clinical testing. Allele origin: germline.
Comment: This sequence change replaces serine, which is neutral and polar, with cysteine, which is neutral and slightly polar, at codon 108 of the TSC1 protein (p.Ser108Cys). This variant is not present in population databases (gnomAD no frequency). This variant has not been reported in the literature in individuals affected with TSC1-related conditions. ClinVar contains an entry for this variant (Variation ID: 1039788). Invitae Evidence Modeling of protein sequence and biophysical properties (such as structural, functional, and spatial information, amino acid conservation, physicochemical variation, residue mobility, and thermodynamic stability) indicates that this missense variant is not expected to disrupt TSC1 protein function with a negative predictive value of 95%. In summary, the available evidence is currently insufficient to determine the role of this variant in disease. Therefore, it has been classified as a Variant of Uncertain Significance.

NM_000368.5(TSC1):c.323C>G (p.Ser108Cys)

Gene: TSC1 (TSC complex subunit 1; minus strand). Cytogenetic location: 9q34.13.
Variant type: single nucleotide variant.
Coding change: c.323C>G on transcript NM_000368.5 (MANE Select); coding-DNA position 323, C replaced by G.
Protein change: p.Ser108Cys; replaces serine 108 with cysteine.
Molecular consequence: missense variant. On other transcripts: 5 prime UTR variant (1), intron variant (1).
Genome position (GRCh38, 1-based): chr9:132,925,627, G>C on the plus strand (C>G on the coding strand, the complement: TSC1 is on the minus strand). VCF-style: chr9-132925627-G-C. GRCh37 (hg19) VCF-style: chr9-135801014-G-C.
Other names: c.323C>G, p.Ser108Cys (NM_001162426.2); c.-41C>G (NM_001362177.2); c.210+1574C>G (NM_001162427.2); c.323C>G (NM_000368.4); short protein forms S108C.
Identifiers: ClinVar variation 1039788 (VCV001039788.9), dbSNP rs1846811712, ClinGen allele CA375374434.